The following is an entry in ClinVar:

NM_001010892.3(RSPH4A):c.1061G>A (p.Arg354His)

Gene: RSPH4A (radial spoke head component 4A; plus strand). Cytogenetic location: 6q22.1.
Variant type: single nucleotide variant.
Coding change: c.1061G>A on transcript NM_001010892.3 (MANE Select); coding-DNA position 1061, G replaced by A.
Protein change: p.Arg354His; replaces arginine 354 with histidine.
Molecular consequence: missense variant.
Genome position (GRCh38, 1-based): chr6:116,627,768, G>A. VCF-style: chr6-116627768-G-A. GRCh37 (hg19) VCF-style: chr6-116948931-G-A.
Other names: c.1061G>A, p.Arg354His (NM_001161664.2); c.1061G>A (NM_001010892.2); short protein forms R354H.
Identifiers: ClinVar variation 1431377 (VCV001431377.7), dbSNP rs367712020, ClinGen allele CA3970888.

ClinVar aggregate classification (germline): Uncertain significance. Review status: criteria provided, multiple submitters, no conflicts (2 of 4 stars). 2 submissions from 2 submitters: Uncertain significance (2). Last evaluated 2021-11-15.

Conditions:
Primary ciliary dyskinesia. Also called: Ciliary dyskinesia. Identifiers: Orphanet 244, MedGen C0008780, MONDO:0016575, HP:0012265.

Allele frequency attached by ClinVar (database versions not stated): gnomAD 0.00001; ExAC 0.00002; gnomAD exomes 0.00002 and 0.00003; ESP Exome Variant Server 0.00008.
gnomAD v4.1: 48 of 1,614,014 alleles (0.003%); highest among the groups gnomAD compares: Non-Finnish European, 0.0035%; no homozygotes.

Submissions (2):

Labcorp Genetics (formerly Invitae), Labcorp
Classification: Uncertain significance for Primary ciliary dyskinesia. Last evaluated: 2021-11-15. Review status: criteria provided, single submitter. Criteria: Invitae Variant Classification Sherloc (09022015). Collection method: clinical testing. Allele origin: germline.
Comment: This variant has not been reported in the literature in individuals affected with RSPH4A-related conditions. In summary, the available evidence is currently insufficient to determine the role of this variant in disease. Therefore, it has been classified as a Variant of Uncertain Significance. Algorithms developed to predict the effect of missense changes on protein structure and function are either unavailable or do not agree on the potential impact of this missense change (SIFT: "Tolerated"; PolyPhen-2: "Probably Damaging"; Align-GVGD: "Class C0"). This variant is present in population databases (rs367712020, gnomAD 0.007%). This sequence change replaces arginine, which is basic and polar, with histidine, which is basic and polar, at codon 354 of the RSPH4A protein (p.Arg354His).

Ambry Genetics
Classification: Uncertain significance for Primary ciliary dyskinesia. Last evaluated: 2021-09-01. Review status: criteria provided, single submitter. Criteria: Ambry Variant Classification Scheme 2023. Collection method: clinical testing. Allele origin: germline.